The following is an entry in ClinVar:

NM_006904.7(PRKDC):c.4856C>T (p.Ala1619Val)

Gene: PRKDC (protein kinase, DNA-activated, catalytic subunit; minus strand). Cytogenetic location: 8q11.21.
Variant type: single nucleotide variant.
Coding change: c.4856C>T on transcript NM_006904.7 (MANE Select); coding-DNA position 4856, C replaced by T.
Protein change: p.Ala1619Val; replaces alanine 1619 with valine.
Molecular consequence: missense variant.
Genome position (GRCh38, 1-based): chr8:47,882,018, G>A on the plus strand (C>T on the coding strand, the complement: PRKDC is on the minus strand). VCF-style: chr8-47882018-G-A. GRCh37 (hg19) VCF-style: chr8-48794579-G-A.
Other names: c.4856C>T, p.Ala1619Val (NM_001081640.2); short protein forms A1619V.
Identifiers: ClinVar variation 849059 (VCV000849059.5), dbSNP rs56182356, ClinGen allele CA4740777.

ClinVar aggregate classification (germline): Uncertain significance (1 of 4 stars; one submission).

Conditions:
Severe combined immunodeficiency due to DNA-PKcs deficiency. Also called: IMMUNODEFICIENCY 26 WITH NEUROLOGIC ABNORMALITIES; Immunodeficiency 26 with or without neurologic abnormalities. Identifiers: Orphanet 317425, MedGen C4014833, MONDO:0014423, OMIM 615966.

Allele frequency attached by ClinVar (database versions not stated): TOPMed 0.00002.
gnomAD v4.1: 27 of 1,613,870 alleles (0.0017%); highest among the groups gnomAD compares: Admixed American, 0.012%; no homozygotes.

Submission:

Labcorp Genetics (formerly Invitae), Labcorp
Classification: Uncertain significance for Severe combined immunodeficiency due to DNA-PKcs deficiency. Last evaluated: 2022-08-16. Review status: criteria provided, single submitter. Criteria: Invitae Variant Classification Sherloc (09022015). Collection method: clinical testing. Allele origin: germline.
Comment: This sequence change replaces alanine, which is neutral and non-polar, with valine, which is neutral and non-polar, at codon 1619 of the PRKDC protein (p.Ala1619Val). This variant is present in population databases (rs56182356, gnomAD 0.006%). This variant has not been reported in the literature in individuals affected with PRKDC-related conditions. ClinVar contains an entry for this variant (Variation ID: 849059). Algorithms developed to predict the effect of missense changes on protein structure and function output the following: SIFT: "Not Available"; PolyPhen-2: "Not Available"; Align-GVGD: "Not Available". The valine amino acid residue is found in multiple mammalian species, which suggests that this missense change does not adversely affect protein function. In summary, the available evidence is currently insufficient to determine the role of this variant in disease. Therefore, it has been classified as a Variant of Uncertain Significance.